The following is an entry in ClinVar:

NM_000268.4(NF2):c.586C>G (p.Arg196Gly)

Gene: NF2 (NF2, moesin-ezrin-radixin like (MERLIN) tumor suppressor; plus strand). Cytogenetic location: 22q12.2.
Variant type: single nucleotide variant.
Coding change: c.586C>G on transcript NM_000268.4 (MANE Select); coding-DNA position 586, C replaced by G.
Protein change: p.Arg196Gly; replaces arginine 196 with glycine.
Molecular consequence: missense variant. On other transcripts: non-coding transcript variant (1), intron variant (1).
Genome position (GRCh38, 1-based): chr22:29,655,663, C>G. VCF-style: chr22-29655663-C-G. GRCh37 (hg19) VCF-style: chr22-30051652-C-G.
Other names: c.586C>G, p.Arg196Gly (NM_016418.5, NM_181825.3, NM_181832.3); c.460C>G, p.Arg154Gly (NM_181828.3); c.463C>G, p.Arg155Gly (NM_181829.3); c.337C>G, p.Arg113Gly (NM_181830.3, NM_181831.3); c.447+13378C>G (NM_181833.3); short protein forms R196G, R155G, R113G, R154G.
Identifiers: ClinVar variation 1522925 (VCV001522925.11), dbSNP rs1555993336, ClinGen allele CA411142678.

ClinVar aggregate classification (germline): Uncertain significance. Review status: criteria provided, multiple submitters, no conflicts (2 of 4 stars). 2 submissions from 2 submitters: Uncertain significance (2). Last evaluated 2024-09-12.

Conditions:
Hereditary cancer-predisposing syndrome. Also called: Neoplastic Syndromes, Hereditary; Hereditary Cancer Syndrome; Hereditary neoplastic syndrome; Tumor predisposition. Identifiers: Orphanet 140162, MedGen C0027672, MeSH D009386, MONDO:0015356.
Neurofibromatosis, type 2 (SWNV). Also called: SCHWANNOMATOSIS, VESTIBULAR; BILATERAL ACOUSTIC NEUROFIBROMATOSIS; NF2-Related Schwannomatosis. Identifiers: Orphanet 637, MedGen C0027832, MONDO:0007039, OMIM 101000. Disease mechanism: loss of function.

Submissions (2):

Ambry Genetics
Classification: Uncertain significance for Hereditary cancer-predisposing syndrome. Last evaluated: 2024-09-12. Review status: criteria provided, single submitter. Criteria: Ambry Variant Classification Scheme 2023. Collection method: clinical testing. Allele origin: germline.
Comment: The p.R196G variant (also known as c.586C>G), located in coding exon 6 of the NF2 gene, results from a C to G substitution at nucleotide position 586. The arginine at codon 196 is replaced by glycine, an amino acid with dissimilar properties. This amino acid position is conserved. In addition, the in silico prediction for this alteration is inconclusive. Since supporting evidence is limited at this time, the clinical significance of this alteration remains unclear.

Labcorp Genetics (formerly Invitae), Labcorp
Classification: Uncertain significance for Neurofibromatosis, type 2. Last evaluated: 2024-02-26. Review status: criteria provided, single submitter. Criteria: Invitae Variant Classification Sherloc (09022015). Collection method: clinical testing. Allele origin: germline.
Comment: This sequence change replaces arginine, which is basic and polar, with glycine, which is neutral and non-polar, at codon 196 of the NF2 protein (p.Arg196Gly). This variant is not present in population databases (gnomAD no frequency). This variant has not been reported in the literature in individuals affected with NF2-related conditions. ClinVar contains an entry for this variant (Variation ID: 1522925). Advanced modeling of protein sequence and biophysical properties (such as structural, functional, and spatial information, amino acid conservation, physicochemical variation, residue mobility, and thermodynamic stability) performed at Invitae indicates that this missense variant is not expected to disrupt NF2 protein function with a negative predictive value of 80%. In summary, the available evidence is currently insufficient to determine the role of this variant in disease. Therefore, it has been classified as a Variant of Uncertain Significance.